The following is an entry in ClinVar:

ClinVar aggregate classification (germline): Uncertain significance (1 of 4 stars; one submission).

Conditions:
2-hydroxyglutaric aciduria (D2L2AD). Identifiers: Orphanet 19, Orphanet 356978, MedGen C2746066, MONDO:0016001. Disease mechanism: loss of function.

Submission:

Baylor Genetics
Classification: Uncertain significance for D,L-2-hydroxyglutaric aciduria. Last evaluated: 2020-02-17. Review status: criteria provided, single submitter. Criteria: ACMG Guidelines, 2015. Collection method: clinical testing. Allele origin: unknown. Affected: yes.
Comment: This variant was determined to be of uncertain significance according to ACMG Guidelines, 2015 [PMID:25741868].

NM_005984.5(SLC25A1):c.928A>G (p.Thr310Ala)

Gene: SLC25A1 (solute carrier family 25 member 1; minus strand). Cytogenetic location: 22q11.21.
Variant type: single nucleotide variant.
Coding change: c.928A>G on transcript NM_005984.5 (MANE Select); coding-DNA position 928, A replaced by G.
Protein change: p.Thr310Ala; replaces threonine 310 with alanine.
Molecular consequence: missense variant. On other transcripts: non-coding transcript variant (1).
Genome position (GRCh38, 1-based): chr22:19,176,138, T>C on the plus strand (A>G on the coding strand, the complement: SLC25A1 is on the minus strand). VCF-style: chr22-19176138-T-C. GRCh37 (hg19) VCF-style: chr22-19163651-T-C.
Other names: c.949A>G, p.Thr317Ala (NM_001256534.2); c.619A>G, p.Thr207Ala (NM_001287387.2); short protein forms T317A, T207A, T310A.
Identifiers: ClinVar variation 1030984 (VCV001030984.1), dbSNP rs1601397432, ClinGen allele CA410633300.
Genomic context (GRCh38, chr22:19,176,138, plus strand): 5'-AGCAGGACACTCTGGCGGTGCCTGGGGCGGTCCCCTTGCGGCCTCTCTAGGCTTAGTCCG[T>C]CTTCCACACTTTGTTGAGCAGCTTCACCACTTCATCATAGATGACAAACACTATGGCCAC-3'
Protein context (NP_005975.1, residues 300-311): VVKLLNKVWK[Thr310Ala]D